The following is an entry in ClinVar:

NM_001122955.4(BSCL2):c.1277A>G (p.Asn426Ser)

Genes: BSCL2 (BSCL2 lipid droplet biogenesis associated, seipin; minus strand), HNRNPUL2-BSCL2 (HNRNPUL2-BSCL2 readthrough (NMD candidate); minus strand). Cytogenetic location: 11q12.3.
Variant type: single nucleotide variant.
Coding change: c.1277A>G on transcript NM_001122955.4 (MANE Select); coding-DNA position 1277, A replaced by G.
Protein change: p.Asn426Ser; replaces asparagine 426 with serine.
Molecular consequence: missense variant. On other transcripts: non-coding transcript variant (1), 3 prime UTR variant (1).
Genome position (GRCh38, 1-based): chr11:62,690,479, T>C on the plus strand (A>G on the coding strand, the complement: BSCL2 is on the minus strand). VCF-style: chr11-62690479-T-C. GRCh37 (hg19) VCF-style: chr11-62457951-T-C.
Other names: c.*79A>G (NM_001130702.2); c.1283A>G, p.Asn428Ser (NM_001386027.1); c.1277A>G, p.Asn426Ser (NM_001386028.1); c.1085A>G, p.Asn362Ser (NM_032667.6); short protein forms N426S, N428S, N362S.
Identifiers: ClinVar variation 1473853 (VCV001473853.6), dbSNP rs1450251165, ClinGen allele CA380954745.

ClinVar aggregate classification (germline): Uncertain significance (1 of 4 stars; one submission).

Conditions:
Charcot-Marie-Tooth disease type 2. Also called: Charcot-Marie-Tooth type 2. Identifiers: Orphanet 64746, MedGen C0270914, MONDO:0018993.

gnomAD v4.1: 1 of 1,614,068 alleles (0.000062%); highest among the groups gnomAD compares: South Asian, 0.0011%; no homozygotes.

Submission:

Labcorp Genetics (formerly Invitae), Labcorp
Classification: Uncertain significance for Charcot-Marie-Tooth disease type 2. Last evaluated: 2022-08-16. Review status: criteria provided, single submitter. Criteria: Invitae Variant Classification Sherloc (09022015). Collection method: clinical testing. Allele origin: germline.
Comment: This variant is not present in population databases (gnomAD no frequency). This variant has not been reported in the literature in individuals affected with BSCL2-related conditions. ClinVar contains an entry for this variant (Variation ID: 1473853). Algorithms developed to predict the effect of missense changes on protein structure and function output the following: SIFT: "Tolerated"; PolyPhen-2: "Benign"; Align-GVGD: "Class C0". The serine amino acid residue is found in multiple mammalian species, which suggests that this missense change does not adversely affect protein function. In summary, the available evidence is currently insufficient to determine the role of this variant in disease. Therefore, it has been classified as a Variant of Uncertain Significance. This sequence change replaces asparagine, which is neutral and polar, with serine, which is neutral and polar, at codon 362 of the BSCL2 protein (p.Asn362Ser).